The following is an entry in ClinVar:

ClinVar aggregate classification (germline): Uncertain significance (1 of 4 stars; one submission).

Conditions:
Mitochondrial DNA depletion syndrome 13. Also called: FBXL4-Related Encephalomyopathic Mitochondrial DNA Depletion Syndrome; Mitochondrial DNA depletion syndrome 13 (encephalomyopathic type). Identifiers: Orphanet 369897, MedGen C3809592, MONDO:0014198, OMIM 615471.

Allele frequency attached by ClinVar (database versions not stated): gnomAD exomes below 0.00001; ExAC 0.00001; gnomAD 0.00001; TOPMed 0.00001.
gnomAD v4.1: 8 of 1,614,112 alleles (0.0005%); highest among the groups gnomAD compares: South Asian, 0.0011%; no homozygotes.

Submission:

Wong Mito Lab, Molecular and Human Genetics, Baylor College of Medicine
Classification: Uncertain significance for Mitochondrial DNA depletion syndrome 13. Last evaluated: 2017-08-10. Review status: criteria provided, single submitter. Criteria: ACMG Guidelines, 2015. Collection method: reference population. Allele origin: germline.
Comment: The NM_012160.4:c.209G>A (NP_036292.2:p.Ser70Asn) [GRCH38: NC_000006.12:g.98926780C>T] variant in FBXL4 gene is interpretated to be a Uncertain Significance - Insufficient Evidence based on ACMG guidelines (PMID: 25741868). This variant meets one or more of the following evidence codes reported in the ACMG-guideline. PM2:This variant is absent in key population databases. Based on this evidence code ClinGen Pathogenicity Calculator (PMID:28081714) suggested that the variant is Uncertain Significance - Insufficient Evidence.

NM_001278716.2(FBXL4):c.209G>A (p.Ser70Asn)

Gene: FBXL4 (F-box and leucine rich repeat protein 4; minus strand). Cytogenetic location: 6q16.2.
Variant type: single nucleotide variant.
Coding change: c.209G>A on transcript NM_001278716.2 (MANE Select); coding-DNA position 209, G replaced by A.
Protein change: p.Ser70Asn; replaces serine 70 with asparagine.
Molecular consequence: missense variant. On other transcripts: non-coding transcript variant (2).
Genome position (GRCh38, 1-based): chr6:98,926,780, C>T on the plus strand (G>A on the coding strand, the complement: FBXL4 is on the minus strand). VCF-style: chr6-98926780-C-T. GRCh37 (hg19) VCF-style: chr6-99374656-C-T.
Other names: c.209G>A, p.Ser70Asn (NM_012160.5); short protein forms S70N.
Identifiers: ClinVar variation 437551 (VCV000437551.1), dbSNP rs776901062, ClinGen allele CA3933720.